The following is an entry in ClinVar:

ClinVar aggregate classification (germline): Uncertain significance. Review status: criteria provided, multiple submitters, no conflicts (2 of 4 stars). 2 submissions from 2 submitters: Uncertain significance (2). Last evaluated 2025-11-05.

Conditions:
Inborn genetic diseases. Identifiers: MedGen C0950123, MeSH D030342.
Nemaline myopathy 2 (NEM2). Also called: Nemaline myopathy 2, autosomal recessive. Identifiers: MedGen C1850569, MONDO:0009725, OMIM 256030.

Submissions (2):

Ambry Genetics
Classification: Uncertain significance for Inborn genetic diseases. Last evaluated: 2025-11-05. Review status: criteria provided, single submitter. Criteria: Ambry Variant Classification Scheme 2023. Collection method: clinical testing. Allele origin: germline.

Labcorp Genetics (formerly Invitae), Labcorp
Classification: Uncertain significance for Nemaline myopathy 2. Last evaluated: 2019-09-17. Review status: criteria provided, single submitter. Criteria: Invitae Variant Classification Sherloc (09022015). Collection method: clinical testing. Allele origin: germline.
Comment: This sequence change replaces alanine with valine at codon 1906 of the NEB protein (p.Ala1906Val). The alanine residue is moderately conserved and there is a small physicochemical difference between alanine and valine. This variant is not present in population databases (ExAC no frequency). This variant has not been reported in the literature in individuals with NEB-related conditions. Algorithms developed to predict the effect of missense changes on protein structure and function are either unavailable or do not agree on the potential impact of this missense change (SIFT: "Deleterious"; PolyPhen-2: "Not Available"; Align-GVGD: "Class C0"). In summary, the available evidence is currently insufficient to determine the role of this variant in disease. Therefore, it has been classified as a Variant of Uncertain Significance.

NM_001164508.2(NEB):c.5717C>T (p.Ala1906Val)

Gene: NEB (nebulin; minus strand). Cytogenetic location: 2q23.3.
Variant type: single nucleotide variant.
Coding change: c.5717C>T on transcript NM_001164508.2 (MANE Select); coding-DNA position 5717, C replaced by T.
Protein change: p.Ala1906Val; replaces alanine 1906 with valine.
Molecular consequence: missense variant.
Genome position (GRCh38, 1-based): chr2:151,663,594, G>A on the plus strand (C>T on the coding strand, the complement: NEB is on the minus strand). VCF-style: chr2-151663594-G-A. GRCh37 (hg19) VCF-style: chr2-152520108-G-A.
Other names: c.5717C>T, p.Ala1906Val (NM_001164507.2, NM_001271208.2, NM_004543.5); c.5717C>T (NM_004543.4); short protein forms A1906V.
Identifiers: ClinVar variation 942935 (VCV000942935.4), dbSNP rs2099170735, ClinGen allele CA348807499.